The following is an entry in ClinVar:

NM_000368.5(TSC1):c.542A>C (p.His181Pro)

Gene: TSC1 (TSC complex subunit 1; minus strand). Cytogenetic location: 9q34.13.
Variant type: single nucleotide variant.
Coding change: c.542A>C on transcript NM_000368.5 (MANE Select); coding-DNA position 542, A replaced by C.
Protein change: p.His181Pro; replaces histidine 181 with proline.
Molecular consequence: missense variant.
Genome position (GRCh38, 1-based): chr9:132,921,940, T>G on the plus strand (A>C on the coding strand, the complement: TSC1 is on the minus strand). VCF-style: chr9-132921940-T-G. GRCh37 (hg19) VCF-style: chr9-135797327-T-G.
Other names: c.542A>C, p.His181Pro (NM_001162426.2); c.389A>C, p.His130Pro (NM_001162427.2); c.179A>C, p.His60Pro (NM_001362177.2); short protein forms H181P, H130P, H60P.
Identifiers: ClinVar variation 64818 (VCV000064818.2), dbSNP rs397515294, ClinGen allele CA007715.

ClinVar aggregate classification (germline): Likely pathogenic. Review status: criteria provided, single submitter (1 of 4 stars). 2 submissions from 2 submitters: Likely pathogenic (1). 1 of the submissions does not count toward it. Last evaluated 2022-07-19.

Conditions:
Tuberous sclerosis syndrome (TSC). Also called: Tuberous Sclerosis Complex; Tuberous sclerosis. Identifiers: Orphanet 805, MedGen C0041341, MONDO:0001734.
Tuberous sclerosis 1 (TSC1). Identifiers: Orphanet 805, MedGen C1854465, MONDO:0008612, OMIM 191100.

Submissions (2):

Division of Genomic Medicine, Department of Advanced Medicine, Medical Research Institute, Kanazawa Medical University
Classification: Likely pathogenic for Tuberous sclerosis 1. Last evaluated: 2022-07-19. Review status: criteria provided, single submitter. Criteria: ACMG Guidelines, 2015. Collection method: clinical testing. Allele origin: germline. Affected: yes. Observed: 1 variant allele.
Comment: According to ACMG GL 2015, this variant located in Rho activating domain (PM1), absent from controls (PM2), assumed de novo (PM6), detected in the patient with clinically definitive tuberous sclerosis complex (PP4), and reported as pathogenic/likely pathogenic in LOVD database (PP5).

Tuberous sclerosis database (TSC1)
No classification provided. Condition: TSC. Review status: no classification provided. Criteria: Tuberous Sclerosis Database Assertion Criteria 2015. Collection method: curation. Allele origin: germline. Affected: yes. Not counted in ClinVar's aggregate classification.